The following is an entry in ClinVar:

ClinVar aggregate classification (germline): Benign/Likely benign. Review status: criteria provided, multiple submitters, no conflicts (2 of 4 stars). 2 submissions from 2 submitters: Benign (1); Likely benign (1). Last evaluated 2026-08-01.

Allele frequency attached by ClinVar (database versions not stated): gnomAD exomes 0.00144; ExAC 0.00159; ESP Exome Variant Server 0.00197; gnomAD 0.00258 and 0.00268; 1000 Genomes Project 0.00260; 1000 Genomes Project 30x 0.00265; TOPMed 0.00265.
gnomAD v4.1: 1,804 of 1,612,650 alleles (0.11%); highest among the groups gnomAD compares: African/African-American, 0.59%; 3 homozygotes.

Submissions (2):

CeGaT Center for Human Genetics Tuebingen
Classification: Likely benign. Last evaluated: 2026-08-01. Review status: criteria provided, single submitter. Criteria: CeGaT Center For Human Genetics Tuebingen Variant Classification Criteria Version 2. Collection method: clinical testing. Allele origin: germline. Affected: yes. Observed: 3 variant alleles.
Comment: PLEKHG2: BP4, BS2

Labcorp Genetics (formerly Invitae), Labcorp
Classification: Benign. Last evaluated: 2026-01-27. Review status: criteria provided, single submitter. Criteria: Invitae Variant Classification Sherloc (09022015). Collection method: clinical testing. Allele origin: germline.

NM_022835.3(PLEKHG2):c.4131G>A (p.Gln1377=)

Gene: PLEKHG2 (pleckstrin homology and RhoGEF domain containing G2; plus strand). Cytogenetic location: 19q13.2.
Variant type: single nucleotide variant.
Coding change: c.4131G>A on transcript NM_022835.3 (MANE Select); coding-DNA position 4131, G replaced by A.
Protein change: p.Gln1377=; no amino-acid change (glutamine 1377 retained).
Molecular consequence: synonymous variant. On other transcripts: missense variant (1).
Genome position (GRCh38, 1-based): chr19:39,425,264, G>A. VCF-style: chr19-39425264-G-A. GRCh37 (hg19) VCF-style: chr19-39915904-G-A.
Other names: c.3599G>A, p.Arg1200Lys (NM_001351693.2); c.1704G>A, p.Gln568= (NM_001351694.2); short protein forms R1200K.
Identifiers: ClinVar variation 724800 (VCV000724800.45), dbSNP rs31729, ClinGen allele CA9430143.